The following is an entry in ClinVar:

ClinVar aggregate classification (germline): Uncertain significance (1 of 4 stars; one submission).

Submission:

GeneDx
Classification: Uncertain significance. Last evaluated: 2025-03-25. Review status: criteria provided, single submitter. Criteria: GeneDx Variant Classification Process June 2021. Collection method: clinical testing. Allele origin: germline. Affected: yes.
Comment: Not observed at significant frequency in large population cohorts (gnomAD); In silico analysis supports that this missense variant has a deleterious effect on protein structure/function; Has not been previously published as pathogenic or benign to our knowledge

NM_006618.5(KDM5B):c.361C>T (p.Pro121Ser)

Gene: KDM5B (lysine demethylase 5B; minus strand). Cytogenetic location: 1q32.1.
Variant type: single nucleotide variant.
Coding change: c.361C>T on transcript NM_006618.5 (MANE Select); coding-DNA position 361, C replaced by T.
Protein change: p.Pro121Ser; replaces proline 121 with serine.
Molecular consequence: missense variant.
Genome position (GRCh38, 1-based): chr1:202,774,657, G>A on the plus strand (C>T on the coding strand, the complement: KDM5B is on the minus strand). VCF-style: chr1-202774657-G-A. GRCh37 (hg19) VCF-style: chr1-202743785-G-A.
Other names: c.361C>T, p.Pro121Ser (NM_001314042.2, NM_001347591.2); c.346C>T, p.Pro116Ser (NM_001399817.1); short protein forms P116S, P121S.
Identifiers: ClinVar variation 4087953 (VCV004087953.1).